The following is an entry in ClinVar:

ClinVar aggregate classification (germline): Pathogenic. Review status: criteria provided, multiple submitters, no conflicts (2 of 4 stars). 5 submissions from 5 submitters: Pathogenic (3). 2 of the submissions do not count toward it. Last evaluated 2024-05-01.

Conditions:
Lateral meningocele syndrome (LMNS). Also called: NOTCH3-Related Lateral Meningocele Syndrome. Identifiers: Orphanet 2789, MedGen C1851710, MONDO:0007537, OMIM 130720.

Submissions (5):

GeneDx
Classification: Pathogenic. Last evaluated: 2024-05-01. Review status: criteria provided, single submitter. Criteria: GeneDx Variant Classification Process June 2021. Collection method: clinical testing. Allele origin: germline. Affected: yes.
Comment: Frameshift variant predicted to result in protein truncation, as the last 89 amino acids are replaced with 8 different amino acids, and other loss-of-function variants have been reported downstream in HGMD; Not observed at significant frequency in large population cohorts (gnomAD); This variant is associated with the following publications: (PMID: 27336130, Abreu_2022_Poster, 25394726, 21337686, 9188658)

Institute of Medical Genetics and Applied Genomics, University Hospital Tübingen
Classification: Pathogenic. Last evaluated: 2020-10-23. Review status: criteria provided, single submitter. Criteria: ACMG Guidelines, 2015. Collection method: clinical testing. Allele origin: germline. Inheritance: Autosomal dominant inheritance. Affected: yes.

Baylor-Hopkins Center for Mendelian Genomics, Johns Hopkins University School of Medicine
Classification: Pathogenic for Lateral meningocele syndrome. Review status: criteria provided, single submitter. Criteria: Submitter's publication. Collection method: research. Allele origin: de novo. Affected: yes. Observed: 2 variant alleles, 2 heterozygotes.

OMIM
Classification: Pathogenic for LATERAL MENINGOCELE SYNDROME. Last evaluated: 2015-02-01. Review status: no assertion criteria provided. Collection method: literature only. Allele origin: germline. Not counted in ClinVar's aggregate classification.

GeneReviews
No classification provided. Condition: Lateral meningocele syndrome. Review status: no classification provided. Collection method: literature only. Allele origin: germline. Affected: yes. Not counted in ClinVar's aggregate classification.

Literature cited by the submitters: PubMed 25394726 (cited by OMIM and GeneReviews); PubMed 9188658 (cited by OMIM); PubMed 21337686 (cited by OMIM); NCBI Bookshelf NBK368476 (cited by GeneReviews).

NM_000435.3(NOTCH3):c.6692dup (p.Ala2233fs)

Gene: NOTCH3 (notch receptor 3; minus strand). Cytogenetic location: 19p13.12.
Variant type: Duplication.
Coding change: c.6692dup on transcript NM_000435.3 (MANE Select); coding-DNA position 6692, one base duplicated (C; older notation c.6692dupC).
Protein change: p.Ala2233fs; shifts the reading frame from alanine 2233.
Molecular consequence: frameshift variant.
Genome position (GRCh38, 1-based): chr19:15,160,936, G duplicated on the plus strand (C on the coding strand, the reverse complement: NOTCH3 is on the minus strand); the first of 6 consecutive G bases (chr19:15,160,936-15,160,941); duplicating any one gives the same sequence. VCF-style (leftmost placement, unchanged base first): chr19-15160935-T-TG. GRCh37 (hg19) VCF-style: chr19-15271746-T-TG.
Other names: 6692_6693delC; Pro2231fsTer11; c.6692dupC (NM_000435.2); short protein forms A2233fs.
Identifiers: ClinVar variation 224881 (VCV000224881.8), dbSNP rs773656789, ClinGen allele CA358564.